The following is an entry in ClinVar:

NM_001166114.2(PNPLA6):c.2184G>C (p.Gln728His)

Gene: PNPLA6 (patatin like domain 6, lysophospholipase; plus strand). Cytogenetic location: 19p13.2.
Variant type: single nucleotide variant.
Coding change: c.2184G>C on transcript NM_001166114.2 (MANE Select); coding-DNA position 2184, G replaced by C.
Protein change: p.Gln728His; replaces glutamine 728 with histidine.
Molecular consequence: missense variant.
Genome position (GRCh38, 1-based): chr19:7,551,107, G>C. VCF-style: chr19-7551107-G-C. GRCh37 (hg19) VCF-style: chr19-7615993-G-C.
Other names: c.2211G>C, p.Gln737His (NM_001166111.2); c.2067G>C, p.Gln689His (NM_006702.5, NM_001166113.1); c.1989G>C, p.Gln663His (NM_001166112.2); short protein forms Q663H, Q689H, Q737H, Q728H.
Identifiers: ClinVar variation 1477268 (VCV001477268.6), dbSNP rs2023623991, ClinGen allele CA403124860.

ClinVar aggregate classification (germline): Uncertain significance (1 of 4 stars; one submission).

Conditions:
Hereditary spastic paraplegia 39 (SPG39). Also called: SPASTIC PARAPLEGIA 39, AUTOSOMAL RECESSIVE; Spastic Paraplegia Type 39 (SPG39). Identifiers: Orphanet 139480, MedGen C2677586, MONDO:0012787, OMIM 612020.

Allele frequency attached by ClinVar (database versions not stated): TOPMed below 0.00001.

Submission:

Labcorp Genetics (formerly Invitae), Labcorp
Classification: Uncertain significance for Hereditary spastic paraplegia 39. Last evaluated: 2021-08-27. Review status: criteria provided, single submitter. Criteria: Invitae Variant Classification Sherloc (09022015). Collection method: clinical testing. Allele origin: germline.
Comment: Variants that disrupt the consensus splice site are a relatively common cause of aberrant splicing (PMID: 17576681, 9536098). Algorithms developed to predict the effect of sequence changes on RNA splicing suggest that this variant may disrupt the consensus splice site. In summary, the available evidence is currently insufficient to determine the role of this variant in disease. Therefore, it has been classified as a Variant of Uncertain Significance. Algorithms developed to predict the effect of missense changes on protein structure and function are either unavailable or do not agree on the potential impact of this missense change (SIFT: "Tolerated"; PolyPhen-2: "Possibly Damaging"; Align-GVGD: "Class C0"). This sequence change replaces glutamine with histidine at codon 689 of the PNPLA6 protein (p.Gln689His). The glutamine residue is highly conserved and there is a small physicochemical difference between glutamine and histidine. This variant also falls at the last nucleotide of exon 20, which is part of the consensus splice site for this exon. The frequency data for this variant in the population databases is considered unreliable, as metrics indicate insufficient coverage at this position in the ExAC database. This variant has not been reported in the literature in individuals affected with PNPLA6-related conditions.

Literature cited by the submitters: PubMed 17576681; PubMed 9536098.